The following is an entry in ClinVar:

ClinVar aggregate classification (germline): Uncertain significance (1 of 4 stars; one submission).

gnomAD v4.1: 33 of 1,544,450 alleles (0.0021%); highest among the groups gnomAD compares: African/African-American, 0.0069%; no homozygotes.

Submission:

GeneDx
Classification: Uncertain significance. Last evaluated: 2022-12-22. Review status: criteria provided, single submitter. Criteria: GeneDx Variant Classification Process June 2021. Collection method: clinical testing. Allele origin: germline. Affected: yes.
Comment: Not observed at significant frequency in large population cohorts (gnomAD); In silico analysis supports that this missense variant does not alter protein structure/function; Has not been previously published as pathogenic or benign to our knowledge

NM_001145026.2(PTPRQ):c.2999A>G (p.His1000Arg)

Gene: PTPRQ (protein tyrosine phosphatase receptor type Q; plus strand). Cytogenetic location: 12q21.31.
Variant type: single nucleotide variant.
Coding change: c.2999A>G on transcript NM_001145026.2 (MANE Select); coding-DNA position 2999, A replaced by G.
Protein change: p.His1000Arg; replaces histidine 1000 with arginine.
Molecular consequence: missense variant.
Genome position (GRCh38, 1-based): chr12:80,539,789, A>G. VCF-style: chr12-80539789-A-G. GRCh37 (hg19) VCF-style: chr12-80933568-A-G.
Other names: short protein forms H1000R.
Identifiers: ClinVar variation 2506725 (VCV002506725.1), dbSNP rs1213540066, ClinGen allele CA385870922.
Genomic context (GRCh38, chr12:80,539,789, plus strand): 5'-CATACTAAAAAAATACATTCTGAACAATGAATGTGTTTATTTTTCAGAATTTTACACTCC[A>G]TGAAGTAACCAATGACTTTGACAATATGACTGTATCCACAATTATAGATAAACTGACAAT-3'
Protein context (NP_001138498.1, residues 990-1010): SGTFMQNFTL[His1000Arg]EVTNDFDNMT